The following is an entry in ClinVar:

NM_004204.5(PIGQ):c.86G>A (p.Ser29Asn)

Gene: PIGQ (phosphatidylinositol glycan anchor biosynthesis class Q; plus strand). Cytogenetic location: 16p13.3.
Variant type: single nucleotide variant.
Coding change: c.86G>A on transcript NM_004204.5 (MANE Select); coding-DNA position 86, G replaced by A.
Protein change: p.Ser29Asn; replaces serine 29 with asparagine.
Molecular consequence: missense variant.
Genome position (GRCh38, 1-based): chr16:574,160, G>A. VCF-style: chr16-574160-G-A. GRCh37 (hg19) VCF-style: chr16-624160-G-A.
Other names: c.86G>A, p.Ser29Asn (NM_148920.4); short protein forms S29N.
Identifiers: ClinVar variation 1965786 (VCV001965786.5), dbSNP rs2505930644, ClinGen allele CA394045429.

ClinVar aggregate classification (germline): Uncertain significance (1 of 4 stars; one submission).

Conditions:
Epilepsy. Also called: Seizure disorder. Identifiers: MedGen C0014544, MeSH D004827, MONDO:0005027.

Allele frequency attached by ClinVar (database versions not stated): gnomAD exomes below 0.00001.

Submission:

Labcorp Genetics (formerly Invitae), Labcorp
Classification: Uncertain significance for Epilepsy. Last evaluated: 2022-02-06. Review status: criteria provided, single submitter. Criteria: Invitae Variant Classification Sherloc (09022015). Collection method: clinical testing. Allele origin: germline.
Comment: In summary, the available evidence is currently insufficient to determine the role of this variant in disease. Therefore, it has been classified as a Variant of Uncertain Significance. Algorithms developed to predict the effect of missense changes on protein structure and function are either unavailable or do not agree on the potential impact of this missense change (SIFT: "Tolerated"; PolyPhen-2: "Possibly Damaging"; Align-GVGD: "Class C0"). This variant has not been reported in the literature in individuals affected with PIGQ-related conditions. This variant is not present in population databases (gnomAD no frequency). This sequence change replaces serine, which is neutral and polar, with asparagine, which is neutral and polar, at codon 29 of the PIGQ protein (p.Ser29Asn).